The following is an entry in ClinVar:

NM_004415.4(DSP):c.692A>G (p.Tyr231Cys)

Gene: DSP (desmoplakin; plus strand). Cytogenetic location: 6p24.3.
Variant type: single nucleotide variant.
Coding change: c.692A>G on transcript NM_004415.4 (MANE Select); coding-DNA position 692, A replaced by G.
Protein change: p.Tyr231Cys; replaces tyrosine 231 with cysteine.
Molecular consequence: missense variant.
Genome position (GRCh38, 1-based): chr6:7,562,746, A>G. VCF-style: chr6-7562746-A-G. GRCh37 (hg19) VCF-style: chr6-7562979-A-G.
Other names: c.692A>G, p.Tyr231Cys (NM_001008844.3, NM_001319034.2); c.692A>G (LRG_423t1); short protein forms Y231C.
Identifiers: ClinVar variation 385647 (VCV000385647.25), dbSNP rs770210088, ClinGen allele CA048648.

ClinVar aggregate classification (germline): Conflicting classifications of pathogenicity. Review status: criteria provided, conflicting classifications (1 of 4 stars). 5 submissions from 5 submitters: Uncertain significance (4); Likely benign (1). Last evaluated 2026-01-27.

Conditions:
Arrhythmogenic cardiomyopathy with wooly hair and keratoderma. Also called: Carvajal syndrome; Dilated cardiomyopathy with woolly hair and keratoderma; Arrhythmogenic cardiomyopathy with woolly hair and keratoderma; PALMOPLANTAR KERATODERMA WITH LEFT VENTRICULAR CARDIOMYOPATHY AND WOOLLY HAIR. Identifiers: Orphanet 65282, MedGen C1854063, MONDO:0011581, OMIM 605676.
Arrhythmogenic right ventricular dysplasia 8 (ARVD8). Also called: ARRHYTHMOGENIC RIGHT VENTRICULAR DYSPLASIA, FAMILIAL, 8; ARRHYTHMOGENIC RIGHT VENTRICULAR CARDIOMYOPATHY 8; Arrhythmogenic Right Ventricular Dysplasia/Cardiomyopathy 8. Identifiers: MedGen C1843896, MONDO:0011831, OMIM 607450.
Cardiovascular phenotype. Identifiers: MedGen CN230736.
Cardiomyopathy (CMYO). Also called: Cardiomyopathies. Identifiers: Orphanet 167848, MedGen C0878544, MONDO:0004994, HP:0001638. Inheritance: Various modes of inheritance.

Allele frequency attached by ClinVar (database versions not stated): gnomAD 0.00001; gnomAD exomes 0.00001 and 0.00005; ExAC 0.00002; TOPMed 0.00002.

Submissions (5):

Labcorp Genetics (formerly Invitae), Labcorp
Classification: Likely benign for Arrhythmogenic cardiomyopathy with wooly hair and keratoderma; Arrhythmogenic right ventricular dysplasia 8. Last evaluated: 2026-01-27. Review status: criteria provided, single submitter. Criteria: Invitae Variant Classification Sherloc (09022015). Collection method: clinical testing. Allele origin: germline.

Color Diagnostics, LLC DBA Color Health
Classification: Uncertain significance for Cardiomyopathy. Last evaluated: 2025-06-24. Review status: criteria provided, single submitter. Criteria: ACMG Guidelines, 2015. Collection method: clinical testing. Allele origin: germline.
Comment: This missense variant replaces tyrosine with cysteine at codon 231 of the DSP protein. Computational prediction suggests that this variant may have deleterious impact on protein structure and function. To our knowledge, functional studies have not been reported for this variant. This variant has been reported in an individual affected with myocarditis and arrhythmogenic right ventricular cardiomyopathy (PMID: 33460606). This variant has been identified in 3/282832 chromosomes in the general population by the Genome Aggregation Database (gnomAD). The available evidence is insufficient to determine the role of this variant in disease conclusively. Therefore, this variant is classified as a Variant of Uncertain Significance.

Ambry Genetics
Classification: Uncertain significance for Cardiovascular phenotype. Last evaluated: 2025-04-07. Review status: criteria provided, single submitter. Criteria: Ambry Variant Classification Scheme 2023. Collection method: clinical testing. Allele origin: germline.
Comment: The p.Y231C variant (also known as c.692A>G), located in coding exon 5 of the DSP gene, results from an A to G substitution at nucleotide position 692. The tyrosine at codon 231 is replaced by cysteine, an amino acid with highly dissimilar properties. This variant was reported to co-occur in cis with DSP p.E323Q in an individual with arrhythmogenic right ventricular cardiomyopathy (Scheel PJ et al. Am J Cardiol. 2021 Apr;145:128-134). This amino acid position is well conserved in available vertebrate species. In addition, this alteration is predicted to be deleterious by in silico analysis. Since supporting evidence is limited at this time, the clinical significance of this alteration remains unclear.

GeneDx
Classification: Uncertain significance. Last evaluated: 2024-05-06. Review status: criteria provided, single submitter. Criteria: GeneDx Variant Classification Process June 2021. Collection method: clinical testing. Allele origin: germline. Affected: yes.
Comment: Reported in cis with DSP p.(E323Q) in an individual with myocarditis and an individual with probable ARVC in the published literature (PMID: 33460606; 34552074); Observed with DSP p.(E323Q) in multiple individuals, suggesting these variants may be present in cis (on the same allele); Not observed at significant frequency in large population cohorts (gnomAD); In silico analysis supports that this missense variant has a deleterious effect on protein structure/function; This variant is associated with the following publications: (PMID: 34352074, 33460606)

AiLife Diagnostics
Classification: Uncertain significance. Last evaluated: 2021-07-01. Review status: criteria provided, single submitter. Criteria: ACMG Guidelines, 2015. Collection method: clinical testing. Allele origin: germline. Affected: yes. Observed: 1 variant allele.

Literature cited by the submitters: PubMed 33460606 (cited by Color Diagnostics, LLC DBA Color Health and Ambry Genetics); PubMed 38938828 (cited by Ambry Genetics).